The following is an entry in ClinVar:

ClinVar aggregate classification (germline): Uncertain significance (1 of 4 stars; one submission).

Conditions:
NCOA1-related disorder. Also called: NCOA1-related condition.

gnomAD v4.1: 1 of 1,613,886 alleles (0.000062%); highest among the groups gnomAD compares: Non-Finnish European, 0.000085%; no homozygotes.

Submission:

PreventionGenetics, part of Exact Sciences
Classification: Uncertain significance for NCOA1-related condition. Last evaluated: 2026-09-10. Review status: criteria provided, single submitter. Criteria: ACMG Guidelines, 2015. Collection method: clinical testing. Allele origin: germline.
Comment: The NCOA1 c.3750C>A variant is predicted to result in the amino acid substitution p.Ser1250Arg. To our knowledge, this variant has not been reported in the literature or in a large population database (gnomAD), indicating this variant is rare. At this time, the clinical significance of this variant is uncertain due to the absence of conclusive functional and genetic evidence.

NM_003743.5(NCOA1):c.3750C>A (p.Ser1250Arg)

Gene: NCOA1 (nuclear receptor coactivator 1; plus strand). Cytogenetic location: 2p23.3.
Variant type: single nucleotide variant.
Coding change: c.3750C>A on transcript NM_003743.5 (MANE Select); coding-DNA position 3750, C replaced by A.
Protein change: p.Ser1250Arg; replaces serine 1250 with arginine.
Molecular consequence: missense variant.
Genome position (GRCh38, 1-based): chr2:24,752,025, C>A. VCF-style: chr2-24752025-C-A. GRCh37 (hg19) VCF-style: chr2-24974894-C-A.
Other names: c.3750C>A, p.Ser1250Arg (NM_001362950.1, NM_001362952.1, NM_001362954.1 and 3 more transcripts); short protein forms S1250R.
Identifiers: ClinVar variation 4995487 (VCV004995487.1).